The following is an entry in ClinVar:

NM_006231.4(POLE):c.3331C>T (p.Arg1111Trp)

Gene: POLE (DNA polymerase epsilon, catalytic subunit; minus strand). Cytogenetic location: 12q24.33.
Variant type: single nucleotide variant.
Coding change: c.3331C>T on transcript NM_006231.4 (MANE Select); coding-DNA position 3331, C replaced by T.
Protein change: p.Arg1111Trp; replaces arginine 1111 with tryptophan.
Molecular consequence: missense variant.
Genome position (GRCh38, 1-based): chr12:132,657,915, G>A on the plus strand (C>T on the coding strand, the complement: POLE is on the minus strand). VCF-style: chr12-132657915-G-A. GRCh37 (hg19) VCF-style: chr12-133234501-G-A.
Other names: short protein forms R1111W.
Identifiers: ClinVar variation 473588 (VCV000473588.22), dbSNP rs774028311, ClinGen allele CA6893277.

ClinVar aggregate classification (germline): Uncertain significance. Review status: criteria provided, multiple submitters, no conflicts (2 of 4 stars). 6 submissions from 6 submitters: Uncertain significance (6). Last evaluated 2026-01-19.

Conditions:
Hereditary cancer-predisposing syndrome. Also called: Neoplastic Syndromes, Hereditary; Tumor predisposition; Hereditary Cancer Syndrome; Hereditary neoplastic syndrome. Identifiers: Orphanet 140162, MedGen C0027672, MeSH D009386, MONDO:0015356.

Allele frequency attached by ClinVar (database versions not stated): gnomAD exomes below 0.00001; ExAC 0.00001; gnomAD 0.00001; TOPMed 0.00001.
gnomAD v4.1: 11 of 1,614,048 alleles (0.00068%); highest among the groups gnomAD compares: South Asian, 0.0055%; no homozygotes.

Submissions (6):

Labcorp Genetics (formerly Invitae), Labcorp
Classification: Uncertain significance. Last evaluated: 2026-01-19. Review status: criteria provided, single submitter. Criteria: Invitae Variant Classification Sherloc (09022015). Collection method: clinical testing. Allele origin: germline.
Comment: This sequence change replaces arginine, which is basic and polar, with tryptophan, which is neutral and slightly polar, at codon 1111 of the POLE protein (p.Arg1111Trp). This variant is present in population databases (rs774028311, gnomAD 0.0009%). This missense change has been observed in individual(s) with pancreatic cancer (PMID: 32826389). ClinVar contains an entry for this variant (Variation ID: 473588). Invitae Evidence Modeling of protein sequence and biophysical properties (such as structural, functional, and spatial information, amino acid conservation, physicochemical variation, residue mobility, and thermodynamic stability) indicates that this missense variant is expected to disrupt POLE protein function with a positive predictive value of 80%. In summary, the available evidence is currently insufficient to determine the role of this variant in disease. Therefore, it has been classified as a Variant of Uncertain Significance.

Ambry Genetics
Classification: Uncertain significance for Hereditary cancer-predisposing syndrome. Last evaluated: 2025-01-13. Review status: criteria provided, single submitter. Criteria: Ambry Variant Classification Scheme 2023. Collection method: clinical testing. Allele origin: germline.
Comment: The p.R1111W variant (also known as c.3331C>T), located in coding exon 27 of the POLE gene, results from a C to T substitution at nucleotide position 3331. The arginine at codon 1111 is replaced by tryptophan, an amino acid with dissimilar properties. This amino acid position is highly conserved in available vertebrate species. In addition, this alteration is predicted to be deleterious by in silico analysis. Based on the available evidence, the clinical significance of this variant remains unclear.

GeneDx
Classification: Uncertain significance. Last evaluated: 2022-01-21. Review status: criteria provided, single submitter. Criteria: GeneDx Variant Classification Process June 2021. Collection method: clinical testing. Allele origin: germline. Affected: yes.
Comment: Not observed at significant frequency in large population cohorts (gnomAD); In silico analysis supports that this missense variant has a deleterious effect on protein structure/function; Has not been previously published as pathogenic or benign to our knowledge; This variant is associated with the following publications: (PMID: 29056344, 25344691)

Institute for Clinical Genetics, University Hospital TU Dresden, University Hospital TU Dresden
Classification: Uncertain significance. Last evaluated: 2021-11-03. Review status: criteria provided, single submitter. Criteria: ACMG Guidelines, 2015. Collection method: clinical testing. Allele origin: germline.

Quest Diagnostics Nichols Institute San Juan Capistrano
Classification: Uncertain significance. Last evaluated: 2019-11-05. Review status: criteria provided, single submitter. Criteria: Quest Diagnostics criteria. Collection method: clinical testing. Allele origin: unknown.

Laboratory for Molecular Medicine, Mass General Brigham Personalized Medicine
Classification: Uncertain significance. Last evaluated: 2017-03-20. Review status: criteria provided, single submitter. Criteria: LMM Criteria. Collection method: clinical testing. Allele origin: germline. Observed: 1 variant allele.
Comment: The p.Arg1111Trp variant in POLE has not been previously reported in individuals with colorectal cancer, but has been identified in 1/66706 European chromosomes by the Exome Aggregation Consortium (ExAC; dbSN P rs774028311). Computational prediction tools and conservation analysis suggest that the p.Arg1111Trp variant may impact the protein, though this information i s not predictive enough to determine pathogenicity. In summary, the clinical sig nificance of the p.Arg1111Trp variant is uncertain.

Literature cited by the submitters: PubMed 32826389 (cited by Labcorp Genetics (formerly Invitae), Labcorp).